The following is an entry in ClinVar:

ClinVar aggregate classification (germline): Uncertain significance. Review status: criteria provided, multiple submitters, no conflicts (2 of 4 stars). 2 submissions from 2 submitters: Uncertain significance (2). Last evaluated 2025-08-11.

Allele frequency attached by ClinVar (database versions not stated): gnomAD exomes below 0.00001.
gnomAD v4.1: 2 of 1,614,200 alleles (0.00012%); highest among the groups gnomAD compares: Non-Finnish European, 0.00017%; no homozygotes.

Submissions (2):

Labcorp Genetics (formerly Invitae), Labcorp
Classification: Uncertain significance. Last evaluated: 2025-08-11. Review status: criteria provided, single submitter. Criteria: Invitae Variant Classification Sherloc (09022015). Collection method: clinical testing. Allele origin: germline.
Comment: This sequence change replaces glutamic acid, which is acidic and polar, with glycine, which is neutral and non-polar, at codon 260 of the KCNJ13 protein (p.Glu260Gly). This variant is not present in population databases (gnomAD no frequency). This variant has not been reported in the literature in individuals affected with KCNJ13-related conditions. ClinVar contains an entry for this variant (Variation ID: 1061605). Invitae Evidence Modeling of protein sequence and biophysical properties (such as structural, functional, and spatial information, amino acid conservation, physicochemical variation, residue mobility, and thermodynamic stability) indicates that this missense variant is not expected to disrupt KCNJ13 protein function with a negative predictive value of 80%. In summary, the available evidence is currently insufficient to determine the role of this variant in disease. Therefore, it has been classified as a Variant of Uncertain Significance.

Ambry Genetics
Classification: Uncertain significance. Last evaluated: 2024-03-01. Review status: criteria provided, single submitter. Criteria: Ambry Variant Classification Scheme 2023. Collection method: clinical testing. Allele origin: germline.

NM_002242.4(KCNJ13):c.779A>G (p.Glu260Gly)

Genes: KCNJ13 (potassium inwardly rectifying channel subfamily J member 13; minus strand), GIGYF2 (GRB10 interacting GYF protein 2; plus strand). Cytogenetic location: 2q37.1.
Variant type: single nucleotide variant.
Coding change: c.779A>G on transcript NM_002242.4 (MANE Select); coding-DNA position 779, A replaced by G.
Protein change: p.Glu260Gly; replaces glutamic acid 260 with glycine.
Molecular consequence: missense variant. On other transcripts: 3 prime UTR variant (1), intron variant (4).
Genome position (GRCh38, 1-based): chr2:232,768,495, T>C on the plus strand (A>G on the coding strand, the complement: KCNJ13 is on the minus strand). VCF-style: chr2-232768495-T-C. GRCh37 (hg19) VCF-style: chr2-233633205-T-C.
Other names: c.*258A>G (NM_001172416.1); c.539A>G, p.Glu180Gly (NM_001172417.1); c.532+7059T>C (NM_001103146.3, NM_015575.4, NM_001103147.2 and 1 more transcripts); short protein forms E180G, E260G.
Identifiers: ClinVar variation 1061605 (VCV001061605.8), dbSNP rs2106334923, ClinGen allele CA351009173.